The following is an entry in ClinVar:

ClinVar aggregate classification (germline): Uncertain significance (1 of 4 stars; one submission).

Submission:

GeneDx
Classification: Uncertain significance. Last evaluated: 2024-11-22. Review status: criteria provided, single submitter. Criteria: GeneDx Variant Classification Process June 2021. Collection method: clinical testing. Allele origin: germline. Affected: yes.
Comment: Not observed at significant frequency in large population cohorts (gnomAD); In silico analysis, which includes protein predictors and evolutionary conservation, supports a deleterious effect; Has not been previously published as pathogenic or benign to our knowledge

NM_001273.5(CHD4):c.3598C>T (p.Arg1200Trp)

Gene: CHD4 (chromodomain helicase DNA binding protein 4; minus strand). Cytogenetic location: 12p13.31.
Variant type: single nucleotide variant.
Coding change: c.3598C>T on transcript NM_001273.5 (MANE Select); coding-DNA position 3598, C replaced by T.
Protein change: p.Arg1200Trp; replaces arginine 1200 with tryptophan.
Molecular consequence: missense variant.
Genome position (GRCh38, 1-based): chr12:6,587,817, G>A on the plus strand (C>T on the coding strand, the complement: CHD4 is on the minus strand). VCF-style: chr12-6587817-G-A. GRCh37 (hg19) VCF-style: chr12-6696983-G-A.
Other names: c.3577C>T, p.Arg1193Trp (NM_001297553.2); c.3559C>T, p.Arg1187Trp (NM_001363606.2); short protein forms R1187W, R1193W, R1200W.
Identifiers: ClinVar variation 1305898 (VCV001305898.3), dbSNP rs2136209107, ClinGen allele CA383581672.